The following is an entry in ClinVar:

NM_018194.6(HHAT):c.1311G>A (p.Ser437=)

Gene: HHAT (hedgehog acyltransferase; plus strand). Cytogenetic location: 1q32.2.
Variant type: single nucleotide variant.
Coding change: c.1311G>A on transcript NM_018194.6 (MANE Select); coding-DNA position 1311, G replaced by A.
Protein change: p.Ser437=; no amino-acid change (serine 437 retained).
Molecular consequence: synonymous variant.
Genome position (GRCh38, 1-based): chr1:210,623,591, G>A. VCF-style: chr1-210623591-G-A. GRCh37 (hg19) VCF-style: chr1-210796935-G-A.
Other names: c.1311G>A, p.Ser437= (NM_001122834.4, NM_001170580.3); c.900G>A, p.Ser300= (NM_001170564.3); c.1314G>A, p.Ser438= (NM_001170587.3); c.1116G>A, p.Ser372= (NM_001170588.3); c.1311G>A (NM_018194.5).
Identifiers: ClinVar variation 2167399 (VCV002167399.29), dbSNP rs761262503, ClinGen allele CA1379443.

ClinVar aggregate classification (germline): Likely benign. Review status: criteria provided, multiple submitters, no conflicts (2 of 4 stars). 3 submissions from 3 submitters: Likely benign (2). 1 of the submissions does not count toward it. Last evaluated 2025-12-25.

Conditions:
HHAT-related disorder. Also called: HHAT-related condition.

Allele frequency attached by ClinVar (database versions not stated): gnomAD 0.00005; TOPMed 0.00005; ExAC 0.00009.
gnomAD v4.1: 107 of 1,613,878 alleles (0.0066%); highest among the groups gnomAD compares: South Asian, 0.016%; 1 homozygote.

Submissions (3):

Labcorp Genetics (formerly Invitae), Labcorp
Classification: Likely benign. Last evaluated: 2025-12-25. Review status: criteria provided, single submitter. Criteria: Invitae Variant Classification Sherloc (09022015). Collection method: clinical testing. Allele origin: germline.

CeGaT Center for Human Genetics Tuebingen
Classification: Likely benign. Last evaluated: 2022-08-01. Review status: criteria provided, single submitter. Criteria: CeGaT Center For Human Genetics Tuebingen Variant Classification Criteria Version 2. Collection method: clinical testing. Allele origin: germline. Affected: yes. Observed: 1 variant allele.
Comment: HHAT: BP4, BP7

PreventionGenetics, part of Exact Sciences
Classification: Likely benign for HHAT-related condition. Last evaluated: 2019-11-16. Review status: no assertion criteria provided. Collection method: clinical testing. Allele origin: germline. Not counted in ClinVar's aggregate classification.
Comment: This variant is classified as likely benign based on ACMG/AMP sequence variant interpretation guidelines (Richards et al. 2015 PMID: 25741868, with internal and published modifications).